The following is an entry in ClinVar:

ClinVar aggregate classification (germline): Likely pathogenic (1 of 4 stars; one submission).

Conditions:
Neuromuscular disease caused by qualitative or quantitative defects of dysferlin. Also called: Dysferlinopathy; Qualitative or quantitative defects of dysferlin. Identifiers: Orphanet 207073, MedGen C2931687, MONDO:0016145.

Submission:

Labcorp Genetics (formerly Invitae), Labcorp
Classification: Likely pathogenic for Neuromuscular disease caused by qualitative or quantitative defects of dysferlin. Last evaluated: 2021-02-15. Review status: criteria provided, single submitter. Criteria: Invitae Variant Classification Sherloc (09022015). Collection method: clinical testing. Allele origin: germline.
Comment: In summary, the currently available evidence indicates that the variant is pathogenic, but additional data are needed to prove that conclusively. Therefore, this variant has been classified as Likely Pathogenic. Algorithms developed to predict the effect of sequence changes on RNA splicing suggest that this variant may disrupt the consensus splice site, but this prediction has not been confirmed by published transcriptional studies. This variant has not been reported in the literature in individuals with DYSF-related conditions. This variant is not present in population databases (ExAC no frequency). This sequence change affects an acceptor splice site in intron 35 of the DYSF gene. It is expected to disrupt RNA splicing. Variants that disrupt the donor or acceptor splice site typically lead to a loss of protein function (PMID: 16199547), and loss-of-function variants in DYSF are known to be pathogenic (PMID: 17698709, 20301480).

Literature cited by the submitters: PubMed 16199547; PubMed 17698709; PubMed 20301480.

NM_001130987.2(DYSF):c.3928-2A>G

Genes: DYSF (dysferlin; plus strand), LOC122787137 (CDK7 strongly-dependent group 2 enhancer GRCh37_chr2:71829831-71831030; plus strand). Cytogenetic location: 2p13.2.
Variant type: single nucleotide variant.
Coding change: c.3928-2A>G on transcript NM_001130987.2 (MANE Select); the canonical splice acceptor site of the intron before coding-DNA position 3928, A replaced by G.
Molecular consequence: splice acceptor variant.
Genome position (GRCh38, 1-based): chr2:71,602,774, A>G. VCF-style: chr2-71602774-A-G. GRCh37 (hg19) VCF-style: chr2-71829904-A-G.
Other names: c.3967-2A>G (NM_001130979.2); c.3925-2A>G (NM_001130981.2, NM_001130980.2); c.3874-2A>G (NM_001130978.2, NM_003494.4); c.3832-2A>G (NM_001130977.2, NM_001130976.2); c.3970-2A>G (NM_001130982.2); c.3928-2A>G (NM_001130985.2); c.3877-2A>G (NM_001130983.2, NM_001130455.2); c.3835-2A>G (NM_001130984.2, NM_001130986.2).
Identifiers: ClinVar variation 1468205 (VCV001468205.8), dbSNP rs2152861747, ClinGen allele CA347226522.